The following is an entry in ClinVar:

ClinVar aggregate classification (germline): Uncertain significance. Review status: criteria provided, multiple submitters, no conflicts (2 of 4 stars). 2 submissions from 2 submitters: Uncertain significance (2). Last evaluated 2025-07-07.

Conditions:
Hereditary cancer-predisposing syndrome. Also called: Hereditary neoplastic syndrome; Neoplastic Syndromes, Hereditary; Hereditary Cancer Syndrome; Tumor predisposition. Identifiers: Orphanet 140162, MedGen C0027672, MeSH D009386, MONDO:0015356.
Peutz-Jeghers syndrome (PJS). Also called: Peutz-Jeghers polyposis; Periorificial lentiginosis syndrome; POLYPOSIS, HAMARTOMATOUS INTESTINAL; POLYPS-AND-SPOTS SYNDROME. Identifiers: Orphanet 2869, MedGen C0031269, MeSH D010580, MONDO:0008280, OMIM 175200.

gnomAD v4.1: 3 of 1,611,848 alleles (0.00019%); highest among the groups gnomAD compares: African/African-American, 0.004%; no homozygotes.

Submissions (2):

Ambry Genetics
Classification: Uncertain significance for Hereditary cancer-predisposing syndrome. Last evaluated: 2025-07-07. Review status: criteria provided, single submitter. Criteria: Ambry Variant Classification Scheme 2023. Collection method: clinical testing. Allele origin: germline.
Comment: The p.E357Q variant (also known as c.1069G>C), located in coding exon 8 of the STK11 gene, results from a G to C substitution at nucleotide position 1069. The glutamic acid at codon 357 is replaced by glutamine, an amino acid with highly similar properties. This amino acid position is well conserved in available vertebrate species. In addition, this alteration is predicted to be tolerated by in silico analysis. Based on the available evidence, the clinical significance of this variant remains unclear.

Labcorp Genetics (formerly Invitae), Labcorp
Classification: Uncertain significance for Peutz-Jeghers syndrome. Last evaluated: 2025-02-04. Review status: criteria provided, single submitter. Criteria: Invitae Variant Classification Sherloc (09022015). Collection method: clinical testing. Allele origin: germline.
Comment: This sequence change replaces glutamic acid, which is acidic and polar, with glutamine, which is neutral and polar, at codon 357 of the STK11 protein (p.Glu357Gln). This variant is not present in population databases (gnomAD no frequency). This variant has not been reported in the literature in individuals affected with STK11-related conditions. ClinVar contains an entry for this variant (Variation ID: 570868). Invitae Evidence Modeling of protein sequence and biophysical properties (such as structural, functional, and spatial information, amino acid conservation, physicochemical variation, residue mobility, and thermodynamic stability) indicates that this missense variant is not expected to disrupt STK11 protein function with a negative predictive value of 95%. In summary, the available evidence is currently insufficient to determine the role of this variant in disease. Therefore, it has been classified as a Variant of Uncertain Significance.

NM_000455.5(STK11):c.1069G>C (p.Glu357Gln)

Genes: STK11 (serine/threonine kinase 11; plus strand), LOC130062899 (ATAC-STARR-seq lymphoblastoid active region 13597; plus strand). Cytogenetic location: 19p13.3.
Variant type: single nucleotide variant.
Coding change: c.1069G>C on transcript NM_000455.5 (MANE Select); coding-DNA position 1069, G replaced by C.
Protein change: p.Glu357Gln; replaces glutamic acid 357 with glutamine.
Molecular consequence: missense variant.
Genome position (GRCh38, 1-based): chr19:1,223,133, G>C. VCF-style: chr19-1223133-G-C. GRCh37 (hg19) VCF-style: chr19-1223132-G-C.
Other names: short protein forms E357Q.
Identifiers: ClinVar variation 570868 (VCV000570868.14), dbSNP rs759473833, ClinGen allele CA402951865.